The following is an entry in ClinVar:

ClinVar aggregate classification (germline): Uncertain significance (1 of 4 stars; one submission).

Conditions:
Deficiency of malonyl-CoA decarboxylase. Also called: Malonic aciduria; MCD deficiency. Identifiers: Orphanet 943, MedGen C0342793, MONDO:0009556, OMIM 248360.

Submission:

Labcorp Genetics (formerly Invitae), Labcorp
Classification: Uncertain significance for Deficiency of malonyl-CoA decarboxylase. Last evaluated: 2025-04-08. Review status: criteria provided, single submitter. Criteria: Invitae Variant Classification Sherloc (09022015). Collection method: clinical testing. Allele origin: germline.
Comment: This sequence change replaces methionine, which is neutral and non-polar, with arginine, which is basic and polar, at codon 178 of the MLYCD protein (p.Met178Arg). This variant is not present in population databases (gnomAD no frequency). This variant has not been reported in the literature in individuals affected with MLYCD-related conditions. Invitae Evidence Modeling of protein sequence and biophysical properties (such as structural, functional, and spatial information, amino acid conservation, physicochemical variation, residue mobility, and thermodynamic stability) indicates that this missense variant is expected to disrupt MLYCD protein function with a positive predictive value of 80%. In summary, the available evidence is currently insufficient to determine the role of this variant in disease. Therefore, it has been classified as a Variant of Uncertain Significance.

NM_012213.3(MLYCD):c.533T>G (p.Met178Arg)

Gene: MLYCD (malonyl-CoA decarboxylase; plus strand). Cytogenetic location: 16q23.3.
Variant type: single nucleotide variant.
Coding change: c.533T>G on transcript NM_012213.3 (MANE Select); coding-DNA position 533, T replaced by G.
Protein change: p.Met178Arg; replaces methionine 178 with arginine.
Molecular consequence: missense variant.
Genome position (GRCh38, 1-based): chr16:83,906,991, T>G. VCF-style: chr16-83906991-T-G. GRCh37 (hg19) VCF-style: chr16-83940596-T-G.
Other names: short protein forms M178R.
Identifiers: ClinVar variation 4777871 (VCV004777871.1).